The following is an entry in ClinVar:

NM_007194.4(CHEK2):c.534A>T (p.Gly178=)

Gene: CHEK2 (checkpoint kinase 2; minus strand). Cytogenetic location: 22q12.1.
Variant type: single nucleotide variant.
Coding change: c.534A>T on transcript NM_007194.4 (MANE Select); coding-DNA position 534, A replaced by T.
Protein change: p.Gly178=; no amino-acid change (glycine 178 retained).
Molecular consequence: synonymous variant. On other transcripts: 5 prime UTR variant (2), intron variant (1).
Genome position (GRCh38, 1-based): chr22:28,725,035, T>A on the plus strand (A>T on the coding strand, the complement: CHEK2 is on the minus strand). VCF-style: chr22-28725035-T-A. GRCh37 (hg19) VCF-style: chr22-29121023-T-A.
Other names: c.663A>T, p.Gly221= (NM_001005735.3, NM_001438294.1); c.-244A>T (NM_001257387.3); c.-130A>T (NM_001437942.1); c.627A>T, p.Gly209= (NM_001438293.1, NM_001438295.1); c.534A>T, p.Gly178= (NM_145862.3); c.445-112A>T (NM_001349956.3).
Identifiers: ClinVar variation 3832932 (VCV003832932.1).

ClinVar aggregate classification (germline): Uncertain significance (1 of 4 stars; one submission).

Conditions:
Hereditary cancer-predisposing syndrome. Also called: Hereditary neoplastic syndrome; Neoplastic Syndromes, Hereditary; Tumor predisposition; Hereditary Cancer Syndrome. Identifiers: Orphanet 140162, MedGen C0027672, MeSH D009386, MONDO:0015356.

Submission:

Ambry Genetics
Classification: Uncertain significance for Hereditary cancer-predisposing syndrome. Last evaluated: 2025-01-09. Review status: criteria provided, single submitter. Criteria: Ambry Variant Classification Scheme 2023. Collection method: clinical testing. Allele origin: germline.
Comment: The c.534A>T variant (also known as p.G178G), located in coding exon 3 of the CHEK2 gene, results from an A to T substitution at nucleotide position 534. This nucleotide substitution does not change the glycine at codon 178. This nucleotide position is well conserved in available vertebrate species. In silico splice site analysis predicts that this alteration will result in the creation or strengthening of a novel splice donor site; however direct evidence is insufficient (Ambry internal data). Based on the available evidence, the clinical significance of this variant remains unclear.